The following is an entry in ClinVar:

NM_001164277.2(SLC37A4):c.985+270C>T

Gene: SLC37A4 (solute carrier family 37 member 4; minus strand). Cytogenetic location: 11q23.3.
Variant type: single nucleotide variant.
Coding change: c.985+270C>T on transcript NM_001164277.2 (MANE Select); 270 bases into the intron after coding-DNA position 985, C replaced by T.
Molecular consequence: intron variant. On other transcripts: missense variant (1).
Genome position (GRCh38, 1-based): chr11:119,025,697, G>A on the plus strand (C>T on the coding strand, the complement: SLC37A4 is on the minus strand). VCF-style: chr11-119025697-G-A. GRCh37 (hg19) VCF-style: chr11-118896407-G-A.
Other names: c.1045C>T, p.His349Tyr (NM_001164278.2); c.766+270C>T (NM_001164279.2); c.985+270C>T (NM_001467.6, NM_001164280.2); short protein forms H349Y.
Identifiers: ClinVar variation 392994 (VCV000392994.3), dbSNP rs782800127, ClinGen allele CA6311659.

ClinVar aggregate classification (germline): Uncertain significance. Review status: criteria provided, single submitter (1 of 4 stars). 2 submissions from 2 submitters: Uncertain significance (1). 1 of the submissions does not count toward it. Last evaluated 2017-01-23.

Conditions:
Glucose-6-phosphate transport defect (GSD1B). Also called: Glycogen Storage Disease Type Ib; GSD Ib. Identifiers: Orphanet 364, Orphanet 79259, MedGen C0268146, MONDO:0009288, OMIM 232220.

Allele frequency attached by ClinVar (database versions not stated): gnomAD 0.00001; gnomAD exomes 0.00001 and 0.00006; TOPMed 0.00001; ExAC 0.00015.

Submissions (2):

GeneDx
Classification: Uncertain significance. Last evaluated: 2017-01-23. Review status: criteria provided, single submitter. Criteria: GeneDx Variant Classification (06012015). Collection method: clinical testing. Allele origin: germline. Affected: yes.
Comment: The H349Y variant in the SLC37A4 gene has not been reported previously as a pathogenic variant, nor as a benign variant, to our knowledge. The H349Y variant was not observed in approximately 2,300 individuals of European and African American ancestry in the NHLBI Exome Sequencing Project, indicating it is not a common benign variant in these populations. The H349Y variant is a non-conservative amino acid substitution, which is likely to impact secondary protein structure as these residues differ in polarity, charge, size and/or other properties. However, this substitution occurs at a position that is not conserved and in silico analysis predicts this variant likely does not alter the protein structure/function. We interpret H349Y as a variant of uncertain significance.

Counsyl
Classification: Likely benign for Glucose-6-phosphate transport defect. Last evaluated: 2017-01-03. Review status: no assertion criteria provided. Collection method: clinical testing. Allele origin: unknown. Not counted in ClinVar's aggregate classification.